The following is an entry in ClinVar:

ClinVar aggregate classification (germline): Uncertain significance (1 of 4 stars; one submission).

Conditions:
Autosomal dominant Parkinson disease 8. Also called: LRRK2-Related Parkinson Disease; Parkinson disease 8; Parkinson disease 8, susceptibility to. Identifiers: Orphanet 411602, MedGen C1846862, MONDO:0011764, OMIM 607060.

gnomAD v4.1: 12 of 1,611,038 alleles (0.00074%); highest among the groups gnomAD compares: Admixed American, 0.0067%; no homozygotes.

Submission:

Labcorp Genetics (formerly Invitae), Labcorp
Classification: Uncertain significance for Autosomal dominant Parkinson disease 8. Last evaluated: 2024-06-25. Review status: criteria provided, single submitter. Criteria: Invitae Variant Classification Sherloc (09022015). Collection method: clinical testing. Allele origin: germline.
Comment: This sequence change replaces asparagine, which is neutral and polar, with lysine, which is basic and polar, at codon 2261 of the LRRK2 protein (p.Asn2261Lys). This variant is present in population databases (rs745470768, gnomAD 0.01%). This variant has not been reported in the literature in individuals affected with LRRK2-related conditions. Advanced modeling of protein sequence and biophysical properties (such as structural, functional, and spatial information, amino acid conservation, physicochemical variation, residue mobility, and thermodynamic stability) has been performed at Invitae for this missense variant, however the output from this modeling did not meet the statistical confidence thresholds required to predict the impact of this variant on LRRK2 protein function. In summary, the available evidence is currently insufficient to determine the role of this variant in disease. Therefore, it has been classified as a Variant of Uncertain Significance.

NM_198578.4(LRRK2):c.6783T>A (p.Asn2261Lys)

Gene: LRRK2 (leucine rich repeat kinase 2; plus strand). Cytogenetic location: 12q12.
Variant type: single nucleotide variant.
Coding change: c.6783T>A on transcript NM_198578.4 (MANE Select); coding-DNA position 6783, T replaced by A.
Protein change: p.Asn2261Lys; replaces asparagine 2261 with lysine.
Molecular consequence: missense variant.
Genome position (GRCh38, 1-based): chr12:40,356,127, T>A. VCF-style: chr12-40356127-T-A. GRCh37 (hg19) VCF-style: chr12-40749929-T-A.
Other names: short protein forms N2261K.
Identifiers: ClinVar variation 3702858 (VCV003702858.2).